The following is an entry in ClinVar:

ClinVar aggregate classification (germline): Likely benign (0 of 4 stars; one submission).

Conditions:
SLC4A1-related disorder. Also called: SLC4A1-related disorders; SLC4A1-related condition.

Allele frequency attached by ClinVar (database versions not stated): gnomAD exomes below 0.00001.
gnomAD v4.1: 1 of 1,614,202 alleles (0.000062%); highest among the groups gnomAD compares: Non-Finnish European, 0.000085%; no homozygotes.

Submission:

PreventionGenetics, part of Exact Sciences
Classification: Likely benign for SLC4A1-related condition. Last evaluated: 2022-12-09. Review status: no assertion criteria provided. Collection method: clinical testing. Allele origin: germline.
Comment: This variant is classified as likely benign based on ACMG/AMP sequence variant interpretation guidelines (Richards et al. 2015 PMID: 25741868, with internal and published modifications).

NM_000342.4(SLC4A1):c.264G>A (p.Leu88=)

Gene: SLC4A1 (solute carrier family 4 member 1 (Diego blood group); minus strand). Cytogenetic location: 17q21.31.
Variant type: single nucleotide variant.
Coding change: c.264G>A on transcript NM_000342.4 (MANE Select); coding-DNA position 264, G replaced by A.
Protein change: p.Leu88=; no amino-acid change (leucine 88 retained).
Molecular consequence: synonymous variant.
Genome position (GRCh38, 1-based): chr17:44,260,720, C>T on the plus strand (G>A on the coding strand, the complement: SLC4A1 is on the minus strand). VCF-style: chr17-44260720-C-T. GRCh37 (hg19) VCF-style: chr17-42338088-C-T.
Identifiers: ClinVar variation 3043755 (VCV003043755.2), dbSNP rs2509971159, ClinGen allele CA500288720.
Genomic context (GRCh38, chr17:44,260,720, plus strand): 5'-TAGGAGGCTCCAGAAGGTGAGGTGAGAGAGGTGCGGGCGGCCCCAGGCCCCATTCTCCCC[C>T]AGGTTCTCCTCCAGTTGCACCCAGCGCGCCGCCTCCATCCATCTCAGCTCCTGGTTCTTT-3'
Protein context (NP_000333.1, residues 78-98): AARWVQLEEN[Leu88=]GENGAWGRPH